The following is an entry in ClinVar:

NM_006031.6(PCNT):c.3457A>G (p.Ser1153Gly)

Gene: PCNT (pericentrin; plus strand). Cytogenetic location: 21q22.3.
Variant type: single nucleotide variant.
Coding change: c.3457A>G on transcript NM_006031.6 (MANE Select); coding-DNA position 3457, A replaced by G.
Protein change: p.Ser1153Gly; replaces serine 1153 with glycine.
Molecular consequence: missense variant.
Genome position (GRCh38, 1-based): chr21:46,385,976, A>G. VCF-style: chr21-46385976-A-G. GRCh37 (hg19) VCF-style: chr21-47805891-A-G.
Other names: c.3103A>G, p.Ser1035Gly (NM_001315529.2); c.3457A>G (NM_006031.5); short protein forms S1153G, S1035G.
Identifiers: ClinVar variation 502484 (VCV000502484.22), dbSNP rs140424584, ClinGen allele CA10079301.
Genomic context (GRCh38, chr21:46,385,976, plus strand): 5'-GAGAACCGGGAAGGCGCAAACCTCCTCTCCATGCTCAAGGCCGACGTCAACCTGTCCCAC[A>G]GCGAAAGGTCAGTGTGTCCTCGGCACCGAGGCTGCCTTGTGGCCGCCAGCACCCGCTGGG-3'
Protein context (NP_006022.3, residues 1143-1163): MLKADVNLSH[Ser1153Gly]ERGALQDALR

ClinVar aggregate classification (germline): Likely benign. Review status: criteria provided, multiple submitters, no conflicts (2 of 4 stars). 4 submissions from 4 submitters: Likely benign (3). 1 of the submissions does not count toward it. Last evaluated 2025-09-15.

Conditions:
PCNT-related disorder. Also called: PCNT-related condition.
Microcephalic osteodysplastic primordial dwarfism type II (MOPD2). Also called: MOPD II; OSTEODYSPLASTIC PRIMORDIAL DWARFISM, TYPE II; Microcephalic osteodysplastic primordial dwarfism with tooth abnormalities. Identifiers: Orphanet 2637, MedGen C0432246, MONDO:0008872, OMIM 210720.

Allele frequency attached by ClinVar (database versions not stated): gnomAD exomes 0.00007 and 0.00023; ExAC 0.00026; ESP Exome Variant Server 0.00077; gnomAD 0.00089 and 0.00093; 1000 Genomes Project 30x 0.00094; 1000 Genomes Project 0.00100; TOPMed 0.00100.
gnomAD v4.1: 247 of 1,614,142 alleles (0.015%); highest among the groups gnomAD compares: African/African-American, 0.27%; 1 homozygote.

Submissions (4):

Labcorp Genetics (formerly Invitae), Labcorp
Classification: Likely benign. Last evaluated: 2025-09-15. Review status: criteria provided, single submitter. Criteria: Invitae Variant Classification Sherloc (09022015). Collection method: clinical testing. Allele origin: germline.

ARUP Laboratories, Molecular Genetics and Genomics, ARUP Laboratories
Classification: Likely benign for Microcephalic osteodysplastic primordial dwarfism type II. Last evaluated: 2020-01-16. Review status: criteria provided, single submitter. Criteria: ARUP Molecular Germline Variant Investigation Process. Collection method: clinical testing. Allele origin: germline.

Eurofins Ntd Llc (ga)
Classification: Likely benign. Last evaluated: 2017-06-20. Review status: criteria provided, single submitter. Criteria: EGL Classification Definitions 2015. Collection method: clinical testing. Allele origin: germline. Observed: 1 variant allele, 1 heterozygote.

PreventionGenetics, part of Exact Sciences
Classification: Likely benign for PCNT-related condition. Last evaluated: 2022-03-01. Review status: no assertion criteria provided. Collection method: clinical testing. Allele origin: germline. Not counted in ClinVar's aggregate classification.
Comment: This variant is classified as likely benign based on ACMG/AMP sequence variant interpretation guidelines (Richards et al. 2015 PMID: 25741868, with internal and published modifications).